The following is an entry in ClinVar:

NM_032578.4(MYPN):c.2024A>C (p.His675Pro)

Gene: MYPN (myopalladin; plus strand). Cytogenetic location: 10q21.3.
Variant type: single nucleotide variant.
Coding change: c.2024A>C on transcript NM_032578.4 (MANE Select); coding-DNA position 2024, A replaced by C.
Protein change: p.His675Pro; replaces histidine 675 with proline.
Molecular consequence: missense variant. On other transcripts: non-coding transcript variant (2).
Genome position (GRCh38, 1-based): chr10:68,174,116, A>C. VCF-style: chr10-68174116-A-C. GRCh37 (hg19) VCF-style: chr10-69933873-A-C.
Other names: c.2024A>C, p.His675Pro (NM_001256267.2); c.1142A>C, p.His381Pro (NM_001256268.2); short protein forms H675P, H381P.
Identifiers: ClinVar variation 5025300 (VCV005025300.1).
Genomic context (GRCh38, chr10:68,174,116, plus strand): 5'-TTGTGTACAGTGATTCCACTCAGTTACAACAGCTTCATAACCAAGTCTTACTGGAACAAC[A>C]CCAATTGCAAAACCCACCTCCTTCATCTCCTAAGGAGTTTCCTTTCAGCATGACTGTTTT-3'
Protein context (NP_115967.2, residues 665-685): QLHNQVLLEQ[His675Pro]QLQNPPPSSP

ClinVar aggregate classification (germline): Uncertain significance (1 of 4 stars; one submission).

Conditions:
Cardiovascular phenotype. Identifiers: MedGen CN230736.

Submission:

Ambry Genetics
Classification: Uncertain significance for Cardiovascular phenotype. Last evaluated: 2026-07-13. Review status: criteria provided, single submitter. Criteria: Ambry Variant Classification Scheme 2023. Collection method: clinical testing. Allele origin: germline.
Comment: The p.H675P variant (also known as c.2024A>C), located in coding exon 10 of the MYPN gene, results from an A to C substitution at nucleotide position 2024. The histidine at codon 675 is replaced by proline, an amino acid with similar properties. This amino acid position is conserved. In addition, this alteration is predicted to be tolerated by in silico analysis. Based on the available evidence, the clinical significance of this variant remains unclear.